The following is an entry in ClinVar:

NM_018124.4(RFWD3):c.883A>G (p.Thr295Ala)

Gene: RFWD3 (ring finger and WD repeat domain 3; minus strand). Cytogenetic location: 16q23.1.
Variant type: single nucleotide variant.
Coding change: c.883A>G on transcript NM_018124.4 (MANE Select); coding-DNA position 883, A replaced by G.
Protein change: p.Thr295Ala; replaces threonine 295 with alanine.
Molecular consequence: missense variant.
Genome position (GRCh38, 1-based): chr16:74,644,645, T>C on the plus strand (A>G on the coding strand, the complement: RFWD3 is on the minus strand). VCF-style: chr16-74644645-T-C. GRCh37 (hg19) VCF-style: chr16-74678543-T-C.
Other names: c.883A>G, p.Thr295Ala (NM_001370534.1, NM_001370535.1, NM_001370536.1); c.49A>G, p.Thr17Ala (NM_001370537.1, NM_001370539.1, NM_001370540.1 and 3 more transcripts); short protein forms T17A, T295A.
Identifiers: ClinVar variation 2181429 (VCV002181429.4), dbSNP rs529259359, ClinGen allele CA8169400.

ClinVar aggregate classification (germline): Uncertain significance (1 of 4 stars; one submission).

Allele frequency attached by ClinVar (database versions not stated): gnomAD exomes 0.00001; ExAC 0.00003; TOPMed 0.00006; gnomAD 0.00007; 1000 Genomes Project 30x 0.00016; 1000 Genomes Project 0.00020.
gnomAD v4.1: 19 of 1,614,132 alleles (0.0012%); highest among the groups gnomAD compares: African/African-American, 0.017%; no homozygotes.

Submission:

Labcorp Genetics (formerly Invitae), Labcorp
Classification: Uncertain significance. Last evaluated: 2025-10-21. Review status: criteria provided, single submitter. Criteria: Invitae Variant Classification Sherloc (09022015). Collection method: clinical testing. Allele origin: germline.
Comment: This sequence change replaces threonine, which is neutral and polar, with alanine, which is neutral and non-polar, at codon 295 of the RFWD3 protein (p.Thr295Ala). This variant is present in population databases (rs529259359, gnomAD 0.02%). This variant has not been reported in the literature in individuals affected with RFWD3-related conditions. ClinVar contains an entry for this variant (Variation ID: 2181429). An algorithm developed to predict the effect of missense changes on protein structure and function (PolyPhen-2) suggests that this variant is likely to be disruptive. In summary, the available evidence is currently insufficient to determine the role of this variant in disease. Therefore, it has been classified as a Variant of Uncertain Significance.